The following is an entry in ClinVar:

NM_000051.4(ATM):c.4945G>A (p.Val1649Ile)

Gene: ATM (ATM serine/threonine kinase; plus strand). Cytogenetic location: 11q22.3.
Variant type: single nucleotide variant.
Coding change: c.4945G>A on transcript NM_000051.4 (MANE Select); coding-DNA position 4945, G replaced by A.
Protein change: p.Val1649Ile; replaces valine 1649 with isoleucine.
Molecular consequence: missense variant.
Genome position (GRCh38, 1-based): chr11:108,297,322, G>A. VCF-style: chr11-108297322-G-A. GRCh37 (hg19) VCF-style: chr11-108168049-G-A.
Other names: c.4945G>A, p.Val1649Ile (NM_001351834.2); short protein forms V1649I.
Identifiers: ClinVar variation 628821 (VCV000628821.5), dbSNP rs1565469893, ClinGen allele CA382538216.

ClinVar aggregate classification (germline): Uncertain significance (1 of 4 stars; one submission).

Conditions:
Hereditary cancer-predisposing syndrome. Also called: Neoplastic Syndromes, Hereditary; Tumor predisposition; Hereditary neoplastic syndrome; Hereditary Cancer Syndrome. Identifiers: Orphanet 140162, MedGen C0027672, MeSH D009386, MONDO:0015356.

Submission:

Color Diagnostics, LLC DBA Color Health
Classification: Uncertain significance for Hereditary cancer-predisposing syndrome. Last evaluated: 2023-12-04. Review status: criteria provided, single submitter. Criteria: ACMG Guidelines, 2015. Collection method: clinical testing. Allele origin: germline.
Comment: This missense variant replaces valine with isoleucine at codon 1649 of the ATM protein. Computational prediction suggests that this variant may not impact protein structure and function (internally defined REVEL score threshold <= 0.5, PMID: 27666373). To our knowledge, functional studies have not been reported for this variant. This variant has not been reported in individuals affected with ATM-related disorders in the literature. This variant has not been identified in the general population by the Genome Aggregation Database (gnomAD). The available evidence is insufficient to determine the role of this variant in disease conclusively. Therefore, this variant is classified as a Variant of Uncertain Significance.